The following is an entry in ClinVar:

NM_006080.3(SEMA3A):c.1960C>T (p.His654Tyr)

Gene: SEMA3A (semaphorin 3A; minus strand). Cytogenetic location: 7q21.11.
Variant type: single nucleotide variant.
Coding change: c.1960C>T on transcript NM_006080.3 (MANE Select); coding-DNA position 1960, C replaced by T.
Protein change: p.His654Tyr; replaces histidine 654 with tyrosine.
Molecular consequence: missense variant.
Genome position (GRCh38, 1-based): chr7:83,961,727, G>A on the plus strand (C>T on the coding strand, the complement: SEMA3A is on the minus strand). VCF-style: chr7-83961727-G-A. GRCh37 (hg19) VCF-style: chr7-83591043-G-A.
Other names: short protein forms H654Y.
Identifiers: ClinVar variation 1312630 (VCV001312630.5), dbSNP rs1404238314, ClinGen allele CA367944652.
Genomic context (GRCh38, chr7:83,961,727, plus strand): 5'-CCAAATGCTCTGTGTCAATGACTTCCAGGGTTACCTTAAGAAGAGTTTGTATGAACCCAT[G>A]TTCCACCGCATGGCAGAGGTAATTGCCTGAATCCTTCTGTTGTAGACTACGTAGCAGAAG-3'
Protein context (NP_006071.1, residues 644-664): SGNYLCHAVE[His654Tyr]GFIQTLLKVT

ClinVar aggregate classification (germline): Uncertain significance. Review status: criteria provided, multiple submitters, no conflicts (2 of 4 stars). 3 submissions from 3 submitters: Uncertain significance (3). Last evaluated 2026-09-16.

Conditions:
Inborn genetic diseases. Identifiers: MedGen C0950123, MeSH D030342.
SEMA3A-related disorder. Also called: SEMA3A-related condition.

Allele frequency attached by ClinVar (database versions not stated): gnomAD exomes below 0.00001 and 0.00001.
gnomAD v4.1: 21 of 1,613,798 alleles (0.0013%); highest among the groups gnomAD compares: Non-Finnish European, 0.0014%; no homozygotes.

Submissions (3):

PreventionGenetics, part of Exact Sciences
Classification: Uncertain significance for SEMA3A-related condition. Last evaluated: 2026-09-16. Review status: criteria provided, single submitter. Criteria: ACMG Guidelines, 2015. Collection method: clinical testing. Allele origin: germline.
Comment: The SEMA3A c.1960C>T variant is predicted to result in the amino acid substitution p.His654Tyr. To our knowledge, this variant has not been reported in the literature. This variant is reported in 0.00088% of alleles in individuals of European (Non-Finnish) descent in gnomAD. At this time, the clinical significance of this variant is uncertain due to the absence of conclusive functional and genetic evidence.

Ambry Genetics
Classification: Uncertain significance for Inborn genetic diseases. Last evaluated: 2023-06-02. Review status: criteria provided, single submitter. Criteria: Ambry Variant Classification Scheme 2023. Collection method: clinical testing. Allele origin: germline.

GeneDx
Classification: Uncertain significance. Last evaluated: 2021-01-27. Review status: criteria provided, single submitter. Criteria: GeneDx Variant Classification Process June 2021. Collection method: clinical testing. Allele origin: germline. Affected: yes.
Comment: In silico analysis supports that this missense variant has a deleterious effect on protein structure/function; Has not been previously published as pathogenic or benign to our knowledge